The following is an entry in ClinVar:

NM_006031.6(PCNT):c.2488T>A (p.Ser830Thr)

Gene: PCNT (pericentrin; plus strand). Cytogenetic location: 21q22.3.
Variant type: single nucleotide variant.
Coding change: c.2488T>A on transcript NM_006031.6 (MANE Select); coding-DNA position 2488, T replaced by A.
Protein change: p.Ser830Thr; replaces serine 830 with threonine.
Molecular consequence: missense variant.
Genome position (GRCh38, 1-based): chr21:46,363,813, T>A. VCF-style: chr21-46363813-T-A. GRCh37 (hg19) VCF-style: chr21-47783728-T-A.
Other names: c.2134T>A, p.Ser712Thr (NM_001315529.2); c.2488T>A (NM_006031.5); short protein forms S712T, S830T.
Identifiers: ClinVar variation 1507241 (VCV001507241.7), dbSNP rs1268691558, ClinGen allele CA410568031.

ClinVar aggregate classification (germline): Uncertain significance. Review status: criteria provided, single submitter (1 of 4 stars). 2 submissions from 2 submitters: Uncertain significance (1). 1 of the submissions does not count toward it. Last evaluated 2021-10-10.

Conditions:
PCNT-related disorder. Also called: PCNT-related condition.

Allele frequency attached by ClinVar (database versions not stated): gnomAD exomes below 0.00001 and 0.00001; TOPMed below 0.00001.
gnomAD v4.1: 12 of 1,612,872 alleles (0.00074%); highest among the groups gnomAD compares: African/African-American, 0.0013%; no homozygotes.

Submissions (2):

Labcorp Genetics (formerly Invitae), Labcorp
Classification: Uncertain significance. Last evaluated: 2021-10-10. Review status: criteria provided, single submitter. Criteria: Invitae Variant Classification Sherloc (09022015). Collection method: clinical testing. Allele origin: germline.
Comment: In summary, the available evidence is currently insufficient to determine the role of this variant in disease. Therefore, it has been classified as a Variant of Uncertain Significance. Algorithms developed to predict the effect of missense changes on protein structure and function (SIFT, PolyPhen-2, Align-GVGD) all suggest that this variant is likely to be tolerated. This variant has not been reported in the literature in individuals affected with PCNT-related conditions. This variant is not present in population databases (ExAC no frequency). This sequence change replaces serine with threonine at codon 830 of the PCNT protein (p.Ser830Thr). The serine residue is weakly conserved and there is a small physicochemical difference between serine and threonine.

PreventionGenetics, part of Exact Sciences
Classification: Uncertain significance for PCNT-related condition. Last evaluated: 2024-08-30. Review status: no assertion criteria provided. Collection method: clinical testing. Allele origin: germline. Not counted in ClinVar's aggregate classification.
Comment: The PCNT c.2488T>A variant is predicted to result in the amino acid substitution p.Ser830Thr. To our knowledge, this variant has not been reported in the literature. This variant is reported in 0.00089% of alleles in individuals of European (Non-Finnish) descent in gnomAD. At this time, the clinical significance of this variant is uncertain due to the absence of conclusive functional and genetic evidence.